The following is an entry in ClinVar:

NM_000100.4(CSTB):c.214T>C (p.Ser72Pro)

Gene: CSTB (cystatin B; minus strand). Cytogenetic location: 21q22.3.
Variant type: single nucleotide variant.
Coding change: c.214T>C on transcript NM_000100.4 (MANE Select); coding-DNA position 214, T replaced by C.
Protein change: p.Ser72Pro; replaces serine 72 with proline.
Molecular consequence: missense variant.
Genome position (GRCh38, 1-based): chr21:43,774,285, A>G on the plus strand (T>C on the coding strand, the complement: CSTB is on the minus strand). VCF-style: chr21-43774285-A-G. GRCh37 (hg19) VCF-style: chr21-45194166-A-G.
Other names: p.S72P:TCT>CCT; short protein forms S72P.
Identifiers: ClinVar variation 205328 (VCV000205328.10), dbSNP rs796052392, ClinGen allele CA314295.
Genomic context (GRCh38, chr21:43,774,285, plus strand): 5'-GCTTGGCTTTGTTGGTCTGGTAGTTAGATAAGGTCAAGGGCTTGTTTTCATGAGGGAGAG[A>G]TTGGAACACTCGCAGGTGTACGAAGTCCTCGTCGCCGACGTGCACCTGGGAAGAGAGCGG-3'
Protein context (NP_000091.1, residues 62-82): EDFVHLRVFQ[Ser72Pro]LPHENKPLTL

ClinVar aggregate classification (germline): Uncertain significance. Review status: criteria provided, multiple submitters, no conflicts (2 of 4 stars). 2 submissions from 2 submitters: Uncertain significance (2). Last evaluated 2024-01-22.

Conditions:
Progressive myoclonic epilepsy. Also called: Familial progressive myoclonic epilepsy; Myoclonus epilepsy; Progressive myoclonus epilepsy; Myoclonic Epilepsies, Progressive. Identifiers: Orphanet 308, Orphanet 98261, MedGen C0751778, MONDO:0020074.

Allele frequency attached by ClinVar (database versions not stated): gnomAD exomes below 0.00001; TOPMed 0.00002.
gnomAD v4.1: 17 of 1,614,146 alleles (0.0011%); highest among the groups gnomAD compares: South Asian, 0.0022%; no homozygotes.

Submissions (2):

Labcorp Genetics (formerly Invitae), Labcorp
Classification: Uncertain significance for Progressive myoclonic epilepsy. Last evaluated: 2024-01-22. Review status: criteria provided, single submitter. Criteria: Invitae Variant Classification Sherloc (09022015). Collection method: clinical testing. Allele origin: germline.
Comment: This sequence change replaces serine, which is neutral and polar, with proline, which is neutral and non-polar, at codon 72 of the CSTB protein (p.Ser72Pro). This variant is present in population databases (rs796052392, gnomAD 0.0009%). This variant has not been reported in the literature in individuals affected with CSTB-related conditions. ClinVar contains an entry for this variant (Variation ID: 205328). Algorithms developed to predict the effect of missense changes on protein structure and function output the following: SIFT: "Not Available"; PolyPhen-2: "Benign"; Align-GVGD: "Not Available". The proline amino acid residue is found in multiple mammalian species, which suggests that this missense change does not adversely affect protein function. In summary, the available evidence is currently insufficient to determine the role of this variant in disease. Therefore, it has been classified as a Variant of Uncertain Significance.

GeneDx
Classification: Uncertain significance. Last evaluated: 2020-01-17. Review status: criteria provided, single submitter. Criteria: GeneDx Variant Classification Process June 2021. Collection method: clinical testing. Allele origin: germline. Affected: yes.
Comment: Not observed at a significant frequency in large population cohorts (Lek et al., 2016); In silico analysis, which includes protein predictors and evolutionary conservation, supports that this variant does not alter protein structure/function; Missense variants in nearby residues reported in the Human Gene Mutation Database (Stenson et al., 2014)